The following is an entry in ClinVar:

ClinVar aggregate classification (germline): Uncertain significance (1 of 4 stars; one submission).

Conditions:
Pierson syndrome. Also called: MICROCORIA-CONGENITAL NEPHROTIC SYNDROME. Identifiers: Orphanet 2670, MedGen C1836876, MONDO:0012184, OMIM 609049.
LAMB2-related infantile-onset nephrotic syndrome. Also called: NEPHROTIC SYNDROME, TYPE 5, WITHOUT OCULAR ABNORMALITIES; NEPHROTIC SYNDROME, TYPE 5, WITH OCULAR ABNORMALITIES; Nephrotic Syndrome, type 5. Identifiers: Orphanet 306507, MedGen C3280113, MONDO:0013621, OMIM 614199.

gnomAD v4.1: 3 of 1,613,730 alleles (0.00019%); highest among the groups gnomAD compares: Non-Finnish European, 0.00025%; no homozygotes.

Submission:

Labcorp Genetics (formerly Invitae), Labcorp
Classification: Uncertain significance for LAMB2-related infantile-onset nephrotic syndrome; Pierson syndrome. Last evaluated: 2022-05-29. Review status: criteria provided, single submitter. Criteria: Invitae Variant Classification Sherloc (09022015). Collection method: clinical testing. Allele origin: germline.
Comment: This sequence change replaces glycine, which is neutral and non-polar, with valine, which is neutral and non-polar, at codon 922 of the LAMB2 protein (p.Gly922Val). This variant is not present in population databases (gnomAD no frequency). This variant has not been reported in the literature in individuals affected with LAMB2-related conditions. Algorithms developed to predict the effect of missense changes on protein structure and function are either unavailable or do not agree on the potential impact of this missense change (SIFT: "Deleterious"; PolyPhen-2: "Benign"; Align-GVGD: "Class C0"). In summary, the available evidence is currently insufficient to determine the role of this variant in disease. Therefore, it has been classified as a Variant of Uncertain Significance.

NM_002292.4(LAMB2):c.2765G>T (p.Gly922Val)

Gene: LAMB2 (laminin subunit beta 2; minus strand). Cytogenetic location: 3p21.31.
Variant type: single nucleotide variant.
Coding change: c.2765G>T on transcript NM_002292.4 (MANE Select); coding-DNA position 2765, G replaced by T.
Protein change: p.Gly922Val; replaces glycine 922 with valine.
Molecular consequence: missense variant.
Genome position (GRCh38, 1-based): chr3:49,125,125, C>A on the plus strand (G>T on the coding strand, the complement: LAMB2 is on the minus strand). VCF-style: chr3-49125125-C-A. GRCh37 (hg19) VCF-style: chr3-49162558-C-A.
Other names: short protein forms G922V.
Identifiers: ClinVar variation 1975772 (VCV001975772.5), dbSNP rs1399036013, ClinGen allele CA352717060.